The following is an entry in ClinVar:

ClinVar aggregate classification (germline): Uncertain significance (1 of 4 stars; one submission).

gnomAD v4.1: 1 of 1,613,380 alleles (0.000062%); highest among the groups gnomAD compares: Admixed American, 0.0017%; no homozygotes.

Submission:

Labcorp Genetics (formerly Invitae), Labcorp
Classification: Uncertain significance. Last evaluated: 2024-10-09. Review status: criteria provided, single submitter. Criteria: Invitae Variant Classification Sherloc (09022015). Collection method: clinical testing. Allele origin: germline.
Comment: This sequence change replaces serine, which is neutral and polar, with asparagine, which is neutral and polar, at codon 464 of the ERBB4 protein (p.Ser464Asn). This variant is not present in population databases (gnomAD no frequency). This variant has not been reported in the literature in individuals affected with ERBB4-related conditions. Invitae Evidence Modeling of protein sequence and biophysical properties (such as structural, functional, and spatial information, amino acid conservation, physicochemical variation, residue mobility, and thermodynamic stability) indicates that this missense variant is not expected to disrupt ERBB4 protein function with a negative predictive value of 80%. In summary, the available evidence is currently insufficient to determine the role of this variant in disease. Therefore, it has been classified as a Variant of Uncertain Significance.

NM_005235.3(ERBB4):c.1391G>A (p.Ser464Asn)

Gene: ERBB4 (erb-b2 receptor tyrosine kinase 4; minus strand). Cytogenetic location: 2q34.
Variant type: single nucleotide variant.
Coding change: c.1391G>A on transcript NM_005235.3 (MANE Select); coding-DNA position 1391, G replaced by A.
Protein change: p.Ser464Asn; replaces serine 464 with asparagine.
Molecular consequence: missense variant.
Genome position (GRCh38, 1-based): chr2:211,702,065, C>T on the plus strand (G>A on the coding strand, the complement: ERBB4 is on the minus strand). VCF-style: chr2-211702065-C-T. GRCh37 (hg19) VCF-style: chr2-212566790-C-T.
Other names: c.1391G>A, p.Ser464Asn (NM_001042599.2); short protein forms S464N.
Identifiers: ClinVar variation 3693283 (VCV003693283.2).